The following is an entry in ClinVar:

NM_032188.3(KAT8):c.964C>G (p.Pro322Ala)

Gene: KAT8 (lysine acetyltransferase 8; plus strand). Cytogenetic location: 16p11.2.
Variant type: single nucleotide variant.
Coding change: c.964C>G on transcript NM_032188.3 (MANE Select); coding-DNA position 964, C replaced by G.
Protein change: p.Pro322Ala; replaces proline 322 with alanine.
Molecular consequence: missense variant.
Genome position (GRCh38, 1-based): chr16:31,130,318, C>G. VCF-style: chr16-31130318-C-G. GRCh37 (hg19) VCF-style: chr16-31141639-C-G.
Other names: c.964C>G, p.Pro322Ala (NM_182958.4); short protein forms P322A.
Identifiers: ClinVar variation 3899232 (VCV003899232.1).
Genomic context (GRCh38, chr16:31,130,318, plus strand): 5'-CTCCTGCAGGAGAAGGAGTCCCCGGATGGAAACAATGTGGCCTGCATCCTGACCTTGCCC[C>G]CCTACCAACGCCGCGGCTACGGGAAGTTCCTCATCGCTTTCAGTGAGTGGTTCCTGGCCT-3'
Protein context (NP_115564.2, residues 312-332): NNVACILTLP[Pro322Ala]YQRRGYGKFL

ClinVar aggregate classification (germline): Uncertain significance (0 of 4 stars; one submission).

Conditions:
Li-Ghorbani-Weisz-Hubshman syndrome. Identifiers: MedGen C5436525, MONDO:0033547, OMIM 618974.

Submission:

Diagnostics Centre, Carl Von Ossietzky University Oldenburg
Classification: Uncertain significance for Li-Ghorbani-Weisz-Hubshman syndrome. Last evaluated: 2024-10-07. Review status: no assertion criteria provided. Collection method: clinical testing. Allele origin: germline. Affected: yes. Observed: 1 variant allele.
Comment: The variant KAT8:c.964C>G p.(Pro322Ala), located in the coding exon 8 of KAT8 gene, results from a cytosine to guanine substitution at nucleotide position c.964. The proline residue at protein position 322 is replaced by an alanine. The affected position is located in the functionally relevant MOZ-SAS domain of the KAT8. The variant is located close to multiple substrate-binding sites of the protein. The impact of the variant in the protein structure/function is assessed as unclear by in silico tools (Revel = 0.593). The variant has not yet been described in ClinVar. This variant is classified as very rare since it is absent in gnomAD v4.1.0. In summary, the variant is classified as variant of unclear significance.

Homozygotic